The following is an entry in ClinVar:

ClinVar aggregate classification (germline): Uncertain significance (1 of 4 stars; one submission).

Conditions:
Catecholaminergic polymorphic ventricular tachycardia 1. Also called: VENTRICULAR TACHYCARDIA, CATECHOLAMINERGIC POLYMORPHIC, 1, WITH OR WITHOUT ATRIAL DYSFUNCTION AND/OR DILATED CARDIOMYOPATHY; VENTRICULAR TACHYCARDIA, STRESS-INDUCED POLYMORPHIC 1; RYR2-Related Catecholaminergic Polymorphic Ventricular Tachycardia. Identifiers: Orphanet 3286, MedGen C1631597, MONDO:0011484, OMIM 604772.

Submission:

Labcorp Genetics (formerly Invitae), Labcorp
Classification: Uncertain significance for Catecholaminergic polymorphic ventricular tachycardia 1. Last evaluated: 2024-01-16. Review status: criteria provided, single submitter. Criteria: Invitae Variant Classification Sherloc (09022015). Collection method: clinical testing. Allele origin: germline.
Comment: This sequence change creates a premature translational stop signal (p.Pro4802Argfs*5) in the RYR2 gene. It is expected to result in an absent or disrupted protein product. However, the current clinical and genetic evidence is not sufficient to establish whether loss-of-function variants in RYR2 cause disease. This variant is not present in population databases (gnomAD no frequency). This variant has not been reported in the literature in individuals affected with RYR2-related conditions. In summary, the available evidence is currently insufficient to determine the role of this variant in disease. Therefore, it has been classified as a Variant of Uncertain Significance.

NM_001035.3(RYR2):c.14403_14404del (p.Pro4802fs)

Gene: RYR2 (ryanodine receptor 2; plus strand). Cytogenetic location: 1q43.
Variant type: Microsatellite.
Coding change: c.14403_14404del on transcript NM_001035.3 (MANE Select); coding-DNA positions 14403 to 14404, 2 bases deleted (AC; older notation c.14403_14404delAC).
Protein change: p.Pro4802fs; shifts the reading frame from proline 4802.
Molecular consequence: frameshift variant.
Genome position (GRCh38, 1-based): chr1:237,809,005-237,809,006, AC deleted; deleting any 2 consecutive bases within chr1:237,809,003-237,809,006 gives the same sequence; the c. name uses the placement nearest the transcript's 3' end. VCF-style (leftmost placement, unchanged base first): chr1-237809002-TAC-T. GRCh37 (hg19) VCF-style: chr1-237972302-TAC-T.
Other names: short protein forms P4802fs.
Identifiers: ClinVar variation 2709667 (VCV002709667.3), dbSNP rs2528175593, ClinGen allele CA068267.